The following is an entry in ClinVar:

ClinVar aggregate classification (germline): Uncertain significance (1 of 4 stars; one submission).

Allele frequency attached by ClinVar (database versions not stated): gnomAD exomes below 0.00001; TOPMed below 0.00001; gnomAD 0.00001; ExAC 0.00002.
gnomAD v4.1: 6 of 1,613,962 alleles (0.00037%); highest among the groups gnomAD compares: Non-Finnish European, 0.00051%; no homozygotes.

Submission:

Labcorp Genetics (formerly Invitae), Labcorp
Classification: Uncertain significance. Last evaluated: 2024-04-10. Review status: criteria provided, single submitter. Criteria: Invitae Variant Classification Sherloc (09022015). Collection method: clinical testing. Allele origin: germline.
Comment: This sequence change replaces leucine, which is neutral and non-polar, with proline, which is neutral and non-polar, at codon 565 of the MICAL1 protein (p.Leu565Pro). This variant is present in population databases (rs775920518, gnomAD 0.002%). This variant has not been reported in the literature in individuals affected with MICAL1-related conditions. An algorithm developed to predict the effect of missense changes on protein structure and function (PolyPhen-2) suggests that this variant is likely to be disruptive. In summary, the available evidence is currently insufficient to determine the role of this variant in disease. Therefore, it has been classified as a Variant of Uncertain Significance.

NM_022765.4(MICAL1):c.1637T>C (p.Leu546Pro)

Gene: MICAL1 (microtubule associated monooxygenase, calponin and LIM domain containing 1; minus strand). Cytogenetic location: 6q21.
Variant type: single nucleotide variant.
Coding change: c.1637T>C on transcript NM_022765.4 (MANE Select); coding-DNA position 1637, T replaced by C.
Protein change: p.Leu546Pro; replaces leucine 546 with proline.
Molecular consequence: missense variant.
Genome position (GRCh38, 1-based): chr6:109,448,759, A>G on the plus strand (T>C on the coding strand, the complement: MICAL1 is on the minus strand). VCF-style: chr6-109448759-A-G. GRCh37 (hg19) VCF-style: chr6-109769962-A-G.
Other names: c.1379T>C, p.Leu460Pro (NM_001159291.2); c.1694T>C, p.Leu565Pro (NM_001286613.2); short protein forms L546P, L565P, L460P.
Identifiers: ClinVar variation 2777110 (VCV002777110.3), dbSNP rs775920518, ClinGen allele CA3953273.